The following is an entry in ClinVar:

ClinVar aggregate classification (germline): Conflicting classifications of pathogenicity. Review status: criteria provided, conflicting classifications (1 of 4 stars). 3 submissions from 1 submitter: Uncertain significance (2); Benign (1). Last evaluated 2017-04-27.

Conditions:
Crigler-Najjar syndrome. Identifiers: Orphanet 205, MedGen C5551003, MONDO:0009044.
Lucey-Driscoll syndrome (HBLRTFN). Also called: Transient familial neonatal hyperbilirubinemia. Identifiers: Orphanet 2312, MedGen C0270210, MONDO:0009383, OMIM 237900.
Gilbert syndrome. Also called: HYPERBILIRUBINEMIA, GILBERT TYPE; Gilbert's syndrome; HYPERBILIRUBINEMIA I; HYPERBILIRUBINEMIA, ARIAS TYPE; Gilbert Disease. Identifiers: MedGen C0017551, MONDO:0007745, OMIM 143500.

Allele frequency attached by ClinVar (database versions not stated): gnomAD 0.00002 and 0.00009; TOPMed 0.00006; gnomAD exomes 0.00011; 1000 Genomes Project 30x 0.00047; 1000 Genomes Project 0.00060.
gnomAD v4.1: 29 of 299,424 alleles (0.0097%); highest among the groups gnomAD compares: East Asian, 0.2%; no homozygotes.

Submissions (3):

Illumina Laboratory Services, Illumina
Classification: Benign for Crigler-Najjar syndrome. Last evaluated: 2017-04-27. Review status: criteria provided, single submitter. Criteria: ICSL Variant Classification Criteria 13 December 2019. Collection method: clinical testing. Allele origin: germline.
Comment: This variant was observed as part of a predisposition screen in an ostensibly healthy population. A literature search was performed for the gene, cDNA change, and amino acid change (where applicable). Publications were found based on this search. The evidence from the literature, in combination with allele frequency data from public databases where available, was sufficient to rule this variant out of causing disease. Therefore, this variant is classified as benign.

Illumina Laboratory Services, Illumina
Classification: Uncertain significance for Lucey-Driscoll syndrome. Last evaluated: 2017-04-27. Review status: criteria provided, single submitter. Criteria: ICSL Variant Classification Criteria 13 December 2019. Collection method: clinical testing. Allele origin: germline.
Comment: This variant was observed as part of a predisposition screen in an ostensibly healthy population. A literature search was performed for the gene, cDNA change, and amino acid change (where applicable). Publications were found based on this search. However, the evidence from the literature, in combination with allele frequency data from public databases where available, was not sufficient to rule this variant in or out of causing disease. Therefore, this variant is classified as a variant of unknown significance.

Illumina Laboratory Services, Illumina
Classification: Uncertain significance for Gilbert syndrome. Last evaluated: 2017-04-27. Review status: criteria provided, single submitter. Criteria: ICSL Variant Classification Criteria 13 December 2019. Collection method: clinical testing. Allele origin: germline.
Comment: the same text as in the submission from Illumina Laboratory Services, Illumina above.

Literature cited by the submitters: PubMed 22983686; PubMed 24390994.

NM_000463.3(UGT1A1):c.*419T>C

Genes: UGT1A1 (UDP glucuronosyltransferase family 1 member A1; plus strand), UGT1A8 (UDP glucuronosyltransferase family 1 member A8; plus strand), UGT1A7 (UDP glucuronosyltransferase family 1 member A7; plus strand), UGT1A (UDP glucuronosyltransferase family 1 member A complex locus; plus strand), UGT1A6 (UDP glucuronosyltransferase family 1 member A6; plus strand) and 5 more. Cytogenetic location: 2q37.1.
Variant type: single nucleotide variant.
Coding change: c.*419T>C on transcript NM_000463.3 (MANE Select); 419 bases downstream of the stop codon, T replaced by C.
Molecular consequence: 3 prime UTR variant.
Genome position (GRCh38, 1-based): chr2:233,772,978, T>C. VCF-style: chr2-233772978-T-C. GRCh37 (hg19) VCF-style: chr2-234681624-T-C.
Other names: c.*419T>C (NM_019075.4, NM_019076.5, NM_019077.3 and 6 more transcripts).
Identifiers: ClinVar variation 898686 (VCV000898686.4), dbSNP rs34942353, ClinGen allele CA67600218.